The following is an entry in ClinVar:

ClinVar aggregate classification (germline): Conflicting classifications of pathogenicity. Review status: criteria provided, conflicting classifications (1 of 4 stars). 3 submissions from 3 submitters: Uncertain significance (2); Likely benign (1). Last evaluated 2025-04-14.

Conditions:
Autoinflammatory syndrome. Identifiers: Orphanet 93665, MedGen C3890737, MONDO:0019751.
Familial cold autoinflammatory syndrome 2 (FCAS2). Identifiers: Orphanet 247868, MedGen C2673198, MONDO:0012724, OMIM 611762.

Allele frequency attached by ClinVar (database versions not stated): TOPMed 0.00004; gnomAD 0.00006; gnomAD exomes 0.00006; ExAC 0.00007; ESP Exome Variant Server 0.00008; 1000 Genomes Project 30x 0.00016; 1000 Genomes Project 0.00020.
gnomAD v4.1: 175 of 1,614,200 alleles (0.011%); highest among the groups gnomAD compares: Non-Finnish European, 0.015%; no homozygotes.

Submissions (3):

Labcorp Genetics (formerly Invitae), Labcorp
Classification: Uncertain significance for Familial cold autoinflammatory syndrome 2. Last evaluated: 2025-04-14. Review status: criteria provided, single submitter. Criteria: Invitae Variant Classification Sherloc (09022015). Collection method: clinical testing. Allele origin: germline.
Comment: This sequence change replaces glutamic acid, which is acidic and polar, with lysine, which is basic and polar, at codon 963 of the NLRP12 protein (p.Glu963Lys). This variant is present in population databases (rs139165669, gnomAD 0.01%). This variant has not been reported in the literature in individuals affected with NLRP12-related conditions. ClinVar contains an entry for this variant (Variation ID: 1694416). An algorithm developed to predict the effect of missense changes on protein structure and function outputs the following: PolyPhen-2: "Benign". The lysine amino acid residue is found in multiple mammalian species, which suggests that this missense change does not adversely affect protein function. In summary, the available evidence is currently insufficient to determine the role of this variant in disease. Therefore, it has been classified as a Variant of Uncertain Significance.

Mayo Clinic Laboratories, Mayo Clinic
Classification: Uncertain significance. Last evaluated: 2024-09-17. Review status: criteria provided, single submitter. Criteria: ACMG Guidelines, 2015. Collection method: clinical testing. Allele origin: germline. Observed: 1 variant allele.
Comment: BP4

Genome Diagnostics Laboratory, The Hospital for Sick Children
Classification: Likely benign for Autoinflammatory syndrome. Last evaluated: 2016-12-12. Review status: criteria provided, single submitter. Criteria: ACMG Guidelines, 2015. Collection method: clinical testing. Allele origin: germline. Affected: yes.

NM_144687.4(NLRP12):c.2887G>A (p.Glu963Lys)

Gene: NLRP12 (NLR family pyrin domain containing 12; minus strand). Cytogenetic location: 19q13.42.
Variant type: single nucleotide variant.
Coding change: c.2887G>A on transcript NM_144687.4 (MANE Select); coding-DNA position 2887, G replaced by A.
Protein change: p.Glu963Lys; replaces glutamic acid 963 with lysine.
Molecular consequence: missense variant. On other transcripts: intron variant (1).
Genome position (GRCh38, 1-based): chr19:53,798,283, C>T on the plus strand (G>A on the coding strand, the complement: NLRP12 is on the minus strand). VCF-style: chr19-53798283-C-T. GRCh37 (hg19) VCF-style: chr19-54301537-C-T.
Other names: p.Glu963Lys; c.2890G>A, p.Glu964Lys (NM_001277126.2); c.2757-2254G>A (NM_001277129.1); short protein forms E963K, E964K.
Identifiers: ClinVar variation 1694416 (VCV001694416.9), dbSNP rs139165669, ClinGen allele CA9638878.
Genomic context (GRCh38, chr19:53,798,283, plus strand): 5'-CGTCACTCCCCGATGCTCACCACAGTTTCTGGAGTCTGCAGGCGGGATGTTGCAGCCCCT[C>T]AGCCAGCAACCACAGGCCCCAGTCTCCCAGGTCGTTGAAACTCAAGTCCAGCTCCCGGAG-3'
Protein context (NP_653288.1, residues 953-973): LGDWGLWLLA[Glu963Lys]GLQHPACRLQ